The following is an entry in ClinVar:

ClinVar aggregate classification (germline): Uncertain significance (1 of 4 stars; one submission).

Conditions:
Noonan syndrome 9 (NS9). Identifiers: Orphanet 648, MedGen C4225282, MONDO:0014691, OMIM 616559.

Allele frequency attached by ClinVar (database versions not stated): gnomAD exomes below 0.00001.
gnomAD v4.1: 1 of 1,604,826 alleles (0.000062%); highest among the groups gnomAD compares: Non-Finnish European, 0.000085%; no homozygotes.

Submission:

Labcorp Genetics (formerly Invitae), Labcorp
Classification: Uncertain significance for Noonan syndrome 9. Last evaluated: 2023-08-10. Review status: criteria provided, single submitter. Criteria: Invitae Variant Classification Sherloc (09022015). Collection method: clinical testing. Allele origin: germline.
Comment: In summary, the available evidence is currently insufficient to determine the role of this variant in disease. Therefore, it has been classified as a Variant of Uncertain Significance. Advanced modeling of protein sequence and biophysical properties (such as structural, functional, and spatial information, amino acid conservation, physicochemical variation, residue mobility, and thermodynamic stability) performed at Invitae indicates that this missense variant is not expected to disrupt SOS2 protein function. This variant has not been reported in the literature in individuals affected with SOS2-related conditions. This variant is not present in population databases (gnomAD no frequency). This sequence change replaces leucine, which is neutral and non-polar, with phenylalanine, which is neutral and non-polar, at codon 829 of the SOS2 protein (p.Leu829Phe).

NM_006939.4(SOS2):c.2485C>T (p.Leu829Phe)

Gene: SOS2 (SOS Ras/Rho guanine nucleotide exchange factor 2; minus strand). Cytogenetic location: 14q21.3.
Variant type: single nucleotide variant.
Coding change: c.2485C>T on transcript NM_006939.4 (MANE Select); coding-DNA position 2485, C replaced by T.
Protein change: p.Leu829Phe; replaces leucine 829 with phenylalanine.
Molecular consequence: missense variant.
Genome position (GRCh38, 1-based): chr14:50,145,496, G>A on the plus strand (C>T on the coding strand, the complement: SOS2 is on the minus strand). VCF-style: chr14-50145496-G-A. GRCh37 (hg19) VCF-style: chr14-50612214-G-A.
Other names: c.2386C>T, p.Leu796Phe (NM_001411020.1); short protein forms L796F, L829F.
Identifiers: ClinVar variation 2885008 (VCV002885008.3), dbSNP rs1884438794, ClinGen allele CA389643300.